The following is an entry in ClinVar:

NM_001197104.2(KMT2A):c.6320A>C (p.Glu2107Ala)

Gene: KMT2A (lysine methyltransferase 2A; plus strand). Cytogenetic location: 11q23.3.
Variant type: single nucleotide variant.
Coding change: c.6320A>C on transcript NM_001197104.2 (MANE Select); coding-DNA position 6320, A replaced by C.
Protein change: p.Glu2107Ala; replaces glutamic acid 2107 with alanine.
Molecular consequence: missense variant.
Genome position (GRCh38, 1-based): chr11:118,501,672, A>C. VCF-style: chr11-118501672-A-C. GRCh37 (hg19) VCF-style: chr11-118372387-A-C.
Other names: c.6410A>C, p.Glu2137Ala (NM_001412597.1); c.6311A>C, p.Glu2104Ala (NM_005933.4); short protein forms E2104A, E2107A, E2137A.
Identifiers: ClinVar variation 1961415 (VCV001961415.6), dbSNP rs1950502887, ClinGen allele CA382801411.

ClinVar aggregate classification (germline): Uncertain significance. Review status: criteria provided, multiple submitters, no conflicts (2 of 4 stars). 2 submissions from 2 submitters: Uncertain significance (2). Last evaluated 2024-06-19.

Conditions:
Inborn genetic diseases. Identifiers: MedGen C0950123, MeSH D030342.

Submissions (2):

Ambry Genetics
Classification: Uncertain significance for Inborn genetic diseases. Last evaluated: 2024-06-19. Review status: criteria provided, single submitter. Criteria: Ambry Variant Classification Scheme 2023. Collection method: clinical testing. Allele origin: germline.

Labcorp Genetics (formerly Invitae), Labcorp
Classification: Uncertain significance. Last evaluated: 2024-02-24. Review status: criteria provided, single submitter. Criteria: Invitae Variant Classification Sherloc (09022015). Collection method: clinical testing. Allele origin: germline.
Comment: This sequence change replaces glutamic acid, which is acidic and polar, with alanine, which is neutral and non-polar, at codon 2107 of the KMT2A protein (p.Glu2107Ala). This variant is not present in population databases (gnomAD no frequency). This variant has not been reported in the literature in individuals affected with KMT2A-related conditions. ClinVar contains an entry for this variant (Variation ID: 1961415). An algorithm developed to predict the effect of missense changes on protein structure and function (PolyPhen-2) suggests that this variant is likely to be tolerated. In summary, the available evidence is currently insufficient to determine the role of this variant in disease. Therefore, it has been classified as a Variant of Uncertain Significance.